The following is an entry in ClinVar:

ClinVar aggregate classification (germline): Uncertain significance (1 of 4 stars; one submission).

Submission:

Labcorp Genetics (formerly Invitae), Labcorp
Classification: Uncertain significance. Last evaluated: 2024-06-03. Review status: criteria provided, single submitter. Criteria: Invitae Variant Classification Sherloc (09022015). Collection method: clinical testing. Allele origin: germline.
Comment: This sequence change falls in intron 33 of the COL11A1 gene. It does not directly change the encoded amino acid sequence of the COL11A1 protein. It affects a nucleotide within the consensus splice site. This variant is not present in population databases (gnomAD no frequency). This variant has not been reported in the literature in individuals affected with COL11A1-related conditions. Variants that disrupt the consensus splice site are a relatively common cause of aberrant splicing (PMID: 17576681, 9536098). Algorithms developed to predict the effect of sequence changes on RNA splicing suggest that this variant may disrupt the consensus splice site. In summary, the available evidence is currently insufficient to determine the role of this variant in disease. Therefore, it has been classified as a Variant of Uncertain Significance.

Literature cited by the submitters: PubMed 17576681; PubMed 9536098.

NM_001854.4(COL11A1):c.2655+5G>T

Gene: COL11A1 (collagen type XI alpha 1 chain; minus strand). Cytogenetic location: 1p21.1.
Variant type: single nucleotide variant.
Coding change: c.2655+5G>T on transcript NM_001854.4 (MANE Select); 5 bases into the intron after coding-DNA position 2655, G replaced by T.
Molecular consequence: intron variant.
Genome position (GRCh38, 1-based): chr1:102,979,055, C>A on the plus strand (G>T on the coding strand, the complement: COL11A1 is on the minus strand). VCF-style: chr1-102979055-C-A. GRCh37 (hg19) VCF-style: chr1-103444611-C-A.
Other names: c.2538+5G>T (NM_001190709.2); c.2691+5G>T (NM_080629.3); c.2307+5G>T (NM_080630.4).
Identifiers: ClinVar variation 3655378 (VCV003655378.2).